The following is an entry in ClinVar:

NM_001942.4(DSG1):c.2572C>A (p.Pro858Thr)

Genes: DSG1 (desmoglein 1; plus strand), DSG1-AS1 (DSG1 antisense RNA 1; minus strand), LOC126862720 (MED14-independent group 3 enhancer GRCh37_chr18:28933613-28934812; plus strand). Cytogenetic location: 18q12.1.
Variant type: single nucleotide variant.
Coding change: c.2572C>A on transcript NM_001942.4 (MANE Select); coding-DNA position 2572, C replaced by A.
Protein change: p.Pro858Thr; replaces proline 858 with threonine.
Molecular consequence: missense variant.
Genome position (GRCh38, 1-based): chr18:31,354,768, C>A. VCF-style: chr18-31354768-C-A. GRCh37 (hg19) VCF-style: chr18-28934731-C-A.
Other names: short protein forms P858T.
Identifiers: ClinVar variation 3615821 (VCV003615821.2).

ClinVar aggregate classification (germline): Uncertain significance (1 of 4 stars; one submission).

gnomAD v4.1: 1 of 1,614,172 alleles (0.000062%); highest among the groups gnomAD compares: Admixed American, 0.0017%; no homozygotes.

Submission:

Labcorp Genetics (formerly Invitae), Labcorp
Classification: Uncertain significance. Last evaluated: 2024-06-10. Review status: criteria provided, single submitter. Criteria: Invitae Variant Classification Sherloc (09022015). Collection method: clinical testing. Allele origin: germline.
Comment: This sequence change replaces proline, which is neutral and non-polar, with threonine, which is neutral and polar, at codon 858 of the DSG1 protein (p.Pro858Thr). This variant is present in population databases (rs777746179, gnomAD 0.003%). This variant has not been reported in the literature in individuals affected with DSG1-related conditions. An algorithm developed to predict the effect of missense changes on protein structure and function (PolyPhen-2) suggests that this variant is likely to be tolerated. In summary, the available evidence is currently insufficient to determine the role of this variant in disease. Therefore, it has been classified as a Variant of Uncertain Significance.